The following is an entry in ClinVar:

ClinVar aggregate classification (germline): Conflicting classifications of pathogenicity. Review status: criteria provided, conflicting classifications (1 of 4 stars). 4 submissions from 4 submitters: Pathogenic (1); Likely pathogenic (1); Uncertain significance (1). 1 of the submissions does not count toward it. Last evaluated 2026-01-30.

Conditions:
Glycine encephalopathy 1 (GCE1). Identifiers: MedGen CN376801, MONDO:0958179, OMIM 605899.
Glycine encephalopathy. Also called: Nonketotic hyperglycinemia; Non-ketotic hyperglycinemia. Identifiers: Orphanet 407, MedGen C0751748, MONDO:0011612, HP:0008288.
Glycine encephalopathy 2 (GCE2). Identifiers: MedGen C5830559, MONDO:0958192, OMIM 620398.

Allele frequency attached by ClinVar (database versions not stated): gnomAD exomes below 0.00001 and 0.00001; ExAC 0.00002.
gnomAD v4.1: 1 of 1,540,372 alleles (0.000065%); highest among the groups gnomAD compares: Non-Finnish European, 0.000089%; no homozygotes.

Submissions (4):

Myriad Genetics, Inc.
Classification: Uncertain significance for Glycine encephalopathy 2. Last evaluated: 2026-01-30. Review status: criteria provided, single submitter. Criteria: Myriad Autosomal Dominant, Autosomal Recessive and X-Linked Classification Criteria (2023). Collection method: clinical testing. Allele origin: unknown.
Comment: NM_000481.3(AMT):c.-58C>T is a 5' non-coding variant classified as a variant of uncertain significance in the context of glycine encephalopathy, AMT-related. c.-58C>T has been observed in cases with relevant disease (PMID: Hardy_2017_(Abstract), 27362913). Relevant functional assessments of this variant are not available in the literature. c.-58C>T has been observed in referenced population frequency databases. In summary, there is insufficient evidence to classify NM_000481.3(AMT):c.-58C>T as pathogenic or benign. Please note: this variant was assessed in the context of healthy population screening.

Women's Health and Genetics/Laboratory Corporation of America, LabCorp
Classification: Likely pathogenic for Glycine encephalopathy. Last evaluated: 2025-04-18. Review status: criteria provided, single submitter. Criteria: LabCorp Variant Classification Summary - May 2015. Collection method: clinical testing. Allele origin: germline.
Comment: Variant summary: AMT c.-58C>T is located in the untranscribed region upstream of the AMT gene region. The variant allele was found at a frequency of 5e-06 in 199220 control chromosomes. c.-58C>T has been observed in individuals affected with Glycine Encephalopathy (Non-Ketotic Hyperglycinemia), including at least two cases where it was found in trans with a pathogenic variant (Coughlin_2017, internal data). It has been noted that several 5'UTR variants located within nucleotides c.-55 to c.-66 were observed in affected individuals from the Coughlin_2017 study cohort, suggesting this could represent a regulatory region for the AMT gene. To our knowledge, no experimental evidence demonstrating an impact on protein function has been reported. The following publications have been ascertained in the context of this evaluation (PMID: 27362913). ClinVar contains an entry for this variant (Variation ID: 555489). Based on the evidence outlined above, the variant was classified as likely pathogenic.

Labcorp Genetics (formerly Invitae), Labcorp
Classification: Pathogenic for Glycine encephalopathy. Last evaluated: 2023-07-28. Review status: criteria provided, single submitter. Criteria: Invitae Variant Classification Sherloc (09022015). Collection method: clinical testing. Allele origin: germline.
Comment: This variant is present in population databases (rs753743263, gnomAD 0.001%). For these reasons, this variant has been classified as Pathogenic. ClinVar contains an entry for this variant (Variation ID: 555489). This variant has been observed in individual(s) with glycine encephalopathy (PMID: 27362913; Invitae). In at least one individual the data is consistent with being in trans (on the opposite chromosome) from a pathogenic variant. This variant occurs in a non-coding region of the AMT gene. It does not change the encoded amino acid sequence of the AMT protein.

Counsyl
Classification: Uncertain significance for Glycine encephalopathy 1. Last evaluated: 2017-12-06. Review status: no assertion criteria provided. Collection method: clinical testing. Allele origin: unknown. Not counted in ClinVar's aggregate classification.

Literature cited by the submitters: PubMed 27362913 (cited by 3 submitters).

NM_000481.4(AMT):c.-58C>T

Genes: NICN1 (nicolin 1, tubulin polyglutamylase complex subunit; minus strand), AMT (aminomethyltransferase; minus strand). Cytogenetic location: 3p21.31.
Variant type: single nucleotide variant.
Coding change: c.-58C>T on transcript NM_000481.4 (MANE Select); 58 bases upstream of the start codon, C replaced by T.
Molecular consequence: 3 prime UTR variant (on NM_032316.3).
Genome position (GRCh38, 1-based): chr3:49,422,508, G>A on the plus strand (C>T on the coding strand, the complement: AMT is on the minus strand). VCF-style: chr3-49422508-G-A. GRCh37 (hg19) VCF-style: chr3-49459941-G-A.
Other names: c.*2325C>T (NM_032316.3).
Identifiers: ClinVar variation 555489 (VCV000555489.11), dbSNP rs753743263, ClinGen allele CA2398536.
Genomic context (GRCh38, chr3:49,422,508, plus strand): 5'-CATCGTCGCCTGCAACGAGTGCAGACGGCGCACAGAGGCCACCACACTGCCAGGCACGCC[G>A]GGAGATGTAGTCCAGGCCTCTGCTCGGACAGGTCTCTCTCCGGAGCAAAGGATCTGAAGG-3'